The following is an entry in ClinVar:

NC_000011.9:g.(?_216698)_(679836_?)del

Genes: ANO9 (anoctamin 9; minus strand), B4GALNT4 (beta-1,4-N-acetyl-galactosaminyltransferase 4; plus strand), CDHR5 (cadherin related family member 5; minus strand), DEAF1 (DEAF1 transcription factor; minus strand), DRD4 (dopamine receptor D4; plus strand) and 22 more. Cytogenetic location: 11p15.5.
Variant type: Deletion.
Identifiers: ClinVar variation 3244777 (VCV003244777.1).

ClinVar aggregate classification (germline): Uncertain significance (1 of 4 stars; one submission).

Submission:

Labcorp Genetics (formerly Invitae), Labcorp
Classification: Uncertain significance. Last evaluated: 2022-10-27. Review status: criteria provided, single submitter. Criteria: Invitae Variant Classification Sherloc (09022015). Collection method: clinical testing. Allele origin: unknown.
Comment: In summary, the available evidence is currently insufficient to determine the role of this variant in disease. Therefore, it has been classified as a Variant of Uncertain Significance. Experimental studies and prediction algorithms are not available or were not evaluated, and the functional significance of this variant is currently unknown. This variant has not been reported in the literature in individuals affected with DEAF1-related conditions. This variant is a gross deletion of the genomic region encompassing exon(s) 8-12 of the DEAF1 gene, which includes the termination codon. This deletion extends beyond the assayed region for this gene and therefore may encompass additional genes. While this deletion is not anticipated to lead to nonsense mediated decay, it is expected to alter mRNA translation or result in a truncated protein product.